The following is an entry in ClinVar:

NM_001163809.2(WDR81):c.1868C>T (p.Thr623Met)

Gene: WDR81 (WD repeat domain 81; plus strand). Cytogenetic location: 17p13.3.
Variant type: single nucleotide variant.
Coding change: c.1868C>T on transcript NM_001163809.2 (MANE Select); coding-DNA position 1868, C replaced by T.
Protein change: p.Thr623Met; replaces threonine 623 with methionine.
Molecular consequence: missense variant. On other transcripts: intron variant (3).
Genome position (GRCh38, 1-based): chr17:1,726,827, C>T. VCF-style: chr17-1726827-C-T. GRCh37 (hg19) VCF-style: chr17-1630121-C-T.
Other names: c.-123-1163C>T (NM_152348.4); c.59-3553C>T (NM_001163673.2); c.-15+2041C>T (NM_001163811.2); short protein forms T623M.
Identifiers: ClinVar variation 723697 (VCV000723697.14), dbSNP rs370468831, ClinGen allele CA8273079.

ClinVar aggregate classification (germline): Likely benign. Review status: criteria provided, multiple submitters, no conflicts (2 of 4 stars). 3 submissions from 3 submitters: Likely benign (2). 1 of the submissions does not count toward it. Last evaluated 2025-07-01.

Conditions:
WDR81-related disorder. Also called: WDR81-related condition.

Allele frequency attached by ClinVar (database versions not stated): gnomAD exomes 0.00019 and 0.00035; ExAC 0.00100; gnomAD 0.00173 and 0.00189; TOPMed 0.00181; 1000 Genomes Project 0.00200; 1000 Genomes Project 30x 0.00219.
gnomAD v4.1: 548 of 1,549,876 alleles (0.035%); highest among the groups gnomAD compares: African/African-American, 0.63%; 2 homozygotes.

Submissions (3):

CeGaT Center for Human Genetics Tuebingen
Classification: Likely benign. Last evaluated: 2025-07-01. Review status: criteria provided, single submitter. Criteria: CeGaT Center For Human Genetics Tuebingen Variant Classification Criteria Version 2. Collection method: clinical testing. Allele origin: germline. Affected: yes. Observed: 1 variant allele.
Comment: WDR81: BP4

Labcorp Genetics (formerly Invitae), Labcorp
Classification: Likely benign. Last evaluated: 2019-12-31. Review status: criteria provided, single submitter. Criteria: Invitae Variant Classification Sherloc (09022015). Collection method: clinical testing. Allele origin: germline.

PreventionGenetics, part of Exact Sciences
Classification: Likely benign for WDR81-related condition. Last evaluated: 2022-09-08. Review status: no assertion criteria provided. Collection method: clinical testing. Allele origin: germline. Not counted in ClinVar's aggregate classification.
Comment: This variant is classified as likely benign based on ACMG/AMP sequence variant interpretation guidelines (Richards et al. 2015 PMID: 25741868, with internal and published modifications).